The following is an entry in ClinVar:

NM_017934.7(PHIP):c.2336A>G (p.His779Arg)

Gene: PHIP (PHIP subunit of CUL4-Ring ligase complex; minus strand). Cytogenetic location: 6q14.1.
Variant type: single nucleotide variant.
Coding change: c.2336A>G on transcript NM_017934.7 (MANE Select); coding-DNA position 2336, A replaced by G.
Protein change: p.His779Arg; replaces histidine 779 with arginine.
Molecular consequence: missense variant.
Genome position (GRCh38, 1-based): chr6:78,988,333, T>C on the plus strand (A>G on the coding strand, the complement: PHIP is on the minus strand). VCF-style: chr6-78988333-T-C. GRCh37 (hg19) VCF-style: chr6-79698050-T-C.
Other names: short protein forms H779R.
Identifiers: ClinVar variation 2442506 (VCV002442506.1), dbSNP rs2481990884, ClinGen allele CA364650869.
Genomic context (GRCh38, chr6:78,988,333, plus strand): 5'-CTTGTACGATAATTGTGTTGATTTGTCTGTTGCTTTTTGGATTCTCCAAGATCCAGGAAA[T>C]GCTCATGAGCATGATTCTAGAAAAAAATAAATTAAATTTATTCACAGATTGTTTAAAGAG-3'
Protein context (NP_060404.4, residues 769-789): PTVSKNHAHE[His779Arg]FLDLGESKKQ

ClinVar aggregate classification (germline): Uncertain significance (1 of 4 stars; one submission).

Submission:

GeneDx
Classification: Uncertain significance. Last evaluated: 2022-08-31. Review status: criteria provided, single submitter. Criteria: GeneDx Variant Classification Process June 2021. Collection method: clinical testing. Allele origin: germline. Affected: yes.
Comment: Not observed at significant frequency in large population cohorts (gnomAD); In silico analysis supports that this missense variant does not alter protein structure/function; Has not been previously published as pathogenic or benign to our knowledge